The following is an entry in ClinVar:

ClinVar aggregate classification (germline): Pathogenic (1 of 4 stars; one submission).

Conditions:
Primary ciliary dyskinesia. Also called: Ciliary dyskinesia. Identifiers: Orphanet 244, MedGen C0008780, MONDO:0016575, HP:0012265.

Submission:

Labcorp Genetics (formerly Invitae), Labcorp
Classification: Pathogenic for Primary ciliary dyskinesia. Last evaluated: 2022-09-29. Review status: criteria provided, single submitter. Criteria: Invitae Variant Classification Sherloc (09022015). Collection method: clinical testing. Allele origin: germline.
Comment: For these reasons, this variant has been classified as Pathogenic. ClinVar contains an entry for this variant (Variation ID: 454753). This variant has not been reported in the literature in individuals affected with DNAH5-related conditions. This variant is not present in population databases (gnomAD no frequency). This sequence change creates a premature translational stop signal (p.Tyr537*) in the DNAH5 gene. It is expected to result in an absent or disrupted protein product. Loss-of-function variants in DNAH5 are known to be pathogenic (PMID: 11788826, 16627867).

Literature cited by the submitters: PubMed 11788826; PubMed 16627867.

NM_001369.3(DNAH5):c.1611C>G (p.Tyr537Ter)

Gene: DNAH5 (dynein axonemal heavy chain 5; minus strand). Cytogenetic location: 5p15.2.
Variant type: single nucleotide variant.
Coding change: c.1611C>G on transcript NM_001369.3 (MANE Select); coding-DNA position 1611, C replaced by G.
Protein change: p.Tyr537Ter; replaces tyrosine 537 with a stop codon.
Molecular consequence: nonsense.
Genome position (GRCh38, 1-based): chr5:13,911,419, G>C on the plus strand (C>G on the coding strand, the complement: DNAH5 is on the minus strand). VCF-style: chr5-13911419-G-C. GRCh37 (hg19) VCF-style: chr5-13911528-G-C.
Other names: short protein forms Y537*.
Identifiers: ClinVar variation 454753 (VCV000454753.7), dbSNP rs367877988, ClinGen allele CA359211831.